The following is an entry in ClinVar:

ClinVar aggregate classification (germline): Uncertain significance (1 of 4 stars; one submission).

Allele frequency attached by ClinVar (database versions not stated): gnomAD exomes 0.00001.
gnomAD v4.1: 11 of 1,611,064 alleles (0.00068%); highest among the groups gnomAD compares: Non-Finnish European, 0.00093%; no homozygotes.

Submission:

GeneDx
Classification: Uncertain significance. Last evaluated: 2020-04-14. Review status: criteria provided, single submitter. Criteria: GeneDx Variant Classification Process June 2021. Collection method: clinical testing. Allele origin: germline. Affected: yes.
Comment: Not observed in large population cohorts (Lek et al., 2016); In silico analysis supports that this missense variant has a deleterious effect on protein structure/function; Has not been previously published as pathogenic or benign to our knowledge

NM_144508.5(KNL1):c.6542A>G (p.Glu2181Gly)

Gene: KNL1 (kinetochore scaffold 1; plus strand). Cytogenetic location: 15q15.1.
Variant type: single nucleotide variant.
Coding change: c.6542A>G on transcript NM_144508.5 (MANE Select); coding-DNA position 6542, A replaced by G.
Protein change: p.Glu2181Gly; replaces glutamic acid 2181 with glycine.
Molecular consequence: missense variant.
Genome position (GRCh38, 1-based): chr15:40,657,099, A>G. VCF-style: chr15-40657099-A-G. GRCh37 (hg19) VCF-style: chr15-40949297-A-G.
Other names: c.6620A>G, p.Glu2207Gly (NM_170589.5); short protein forms E2181G, E2207G.
Identifiers: ClinVar variation 1304250 (VCV001304250.2), dbSNP rs2141766836, ClinGen allele CA391774915.